The following is an entry in ClinVar:

ClinVar aggregate classification (germline): Uncertain significance (1 of 4 stars; one submission).

gnomAD v4.1: 1 of 1,613,940 alleles (0.000062%); highest among the groups gnomAD compares: South Asian, 0.0011%; no homozygotes.

Submission:

Labcorp Genetics (formerly Invitae), Labcorp
Classification: Uncertain significance. Last evaluated: 2024-03-01. Review status: criteria provided, single submitter. Criteria: Invitae Variant Classification Sherloc (09022015). Collection method: clinical testing. Allele origin: germline.
Comment: This sequence change replaces leucine, which is neutral and non-polar, with proline, which is neutral and non-polar, at codon 642 of the SAMD9 protein (p.Leu642Pro). This variant is present in population databases (no rsID available, gnomAD 0.003%). This variant has not been reported in the literature in individuals affected with SAMD9-related conditions. Advanced modeling of protein sequence and biophysical properties (such as structural, functional, and spatial information, amino acid conservation, physicochemical variation, residue mobility, and thermodynamic stability) has been performed at Invitae for this missense variant, however the output from this modeling did not meet the statistical confidence thresholds required to predict the impact of this variant on SAMD9 protein function. In summary, the available evidence is currently insufficient to determine the role of this variant in disease. Therefore, it has been classified as a Variant of Uncertain Significance.

NM_017654.4(SAMD9):c.1925T>C (p.Leu642Pro)

Gene: SAMD9 (sterile alpha motif domain containing 9; minus strand). Cytogenetic location: 7q21.2.
Variant type: single nucleotide variant.
Coding change: c.1925T>C on transcript NM_017654.4 (MANE Select); coding-DNA position 1925, T replaced by C.
Protein change: p.Leu642Pro; replaces leucine 642 with proline.
Molecular consequence: missense variant.
Genome position (GRCh38, 1-based): chr7:93,104,173, A>G on the plus strand (T>C on the coding strand, the complement: SAMD9 is on the minus strand). VCF-style: chr7-93104173-A-G. GRCh37 (hg19) VCF-style: chr7-92733486-A-G.
Other names: c.1925T>C, p.Leu642Pro (NM_001193307.2); short protein forms L642P.
Identifiers: ClinVar variation 3615686 (VCV003615686.2).